The following is an entry in ClinVar:

ClinVar aggregate classification (germline): Uncertain significance. Review status: criteria provided, multiple submitters, no conflicts (2 of 4 stars). 2 submissions from 2 submitters: Uncertain significance (2). Last evaluated 2023-09-03.

Conditions:
Multiple congenital exostosis (EXT). Also called: Multiple osteochondromas; MULTIPLE CARTILAGINOUS EXOSTOSES; Hereditary multiple osteochondromas; Multiple exostoses; Hereditary multiple exostoses; Hereditary multiple exostosis. Identifiers: Orphanet 321, MedGen C0015306, MONDO:0005508, HP:0002762.
Chondrosarcoma. Also called: Chondrosarcoma, somatic. Identifiers: Orphanet 55880, MedGen C0008479, MONDO:0008977, OMIM 215300, HP:0006765.

gnomAD v4.1: 3 of 1,614,184 alleles (0.00019%); highest among the groups gnomAD compares: Non-Finnish European, 0.00025%; no homozygotes.

Submissions (2):

Baylor Genetics
Classification: Uncertain significance for Chondrosarcoma. Last evaluated: 2023-09-03. Review status: criteria provided, single submitter. Criteria: ACMG Guidelines, 2015. Collection method: clinical testing. Allele origin: unknown.

Labcorp Genetics (formerly Invitae), Labcorp
Classification: Uncertain significance for Multiple congenital exostosis. Last evaluated: 2022-05-07. Review status: criteria provided, single submitter. Criteria: Invitae Variant Classification Sherloc (09022015). Collection method: clinical testing. Allele origin: germline.
Comment: This sequence change replaces glutamine, which is neutral and polar, with glutamic acid, which is acidic and polar, at codon 721 of the EXT1 protein (p.Gln721Glu). This variant is not present in population databases (gnomAD no frequency). This variant has not been reported in the literature in individuals affected with EXT1-related conditions. Advanced modeling of protein sequence and biophysical properties (such as structural, functional, and spatial information, amino acid conservation, physicochemical variation, residue mobility, and thermodynamic stability) performed at Invitae indicates that this missense variant is not expected to disrupt EXT1 protein function. In summary, the available evidence is currently insufficient to determine the role of this variant in disease. Therefore, it has been classified as a Variant of Uncertain Significance.

NM_000127.3(EXT1):c.2161C>G (p.Gln721Glu)

Gene: EXT1 (exostosin glycosyltransferase 1; minus strand). Cytogenetic location: 8q24.11.
Variant type: single nucleotide variant.
Coding change: c.2161C>G on transcript NM_000127.3 (MANE Select); coding-DNA position 2161, C replaced by G.
Protein change: p.Gln721Glu; replaces glutamine 721 with glutamic acid.
Molecular consequence: missense variant.
Genome position (GRCh38, 1-based): chr8:117,799,792, G>C on the plus strand (C>G on the coding strand, the complement: EXT1 is on the minus strand). VCF-style: chr8-117799792-G-C. GRCh37 (hg19) VCF-style: chr8-118812031-G-C.
Other names: short protein forms Q721E.
Identifiers: ClinVar variation 2198318 (VCV002198318.5), dbSNP rs764391436, ClinGen allele CA371889898.